The following is an entry in ClinVar:

NM_144573.4(NEXN):c.1951G>A (p.Glu651Lys)

Gene: NEXN (nexilin F-actin binding protein; plus strand). Cytogenetic location: 1p31.1.
Variant type: single nucleotide variant.
Coding change: c.1951G>A on transcript NM_144573.4 (MANE Select); coding-DNA position 1951, G replaced by A.
Protein change: p.Glu651Lys; replaces glutamic acid 651 with lysine.
Molecular consequence: missense variant.
Genome position (GRCh38, 1-based): chr1:77,942,752, G>A. VCF-style: chr1-77942752-G-A. GRCh37 (hg19) VCF-style: chr1-78408437-G-A.
Other names: c.1759G>A, p.Glu587Lys (NM_001172309.2); c.1951G>A (NM_144573.3); short protein forms E587K, E651K.
Identifiers: ClinVar variation 1043630 (VCV001043630.9), dbSNP rs1211415757, ClinGen allele CA340883260.

ClinVar aggregate classification (germline): Uncertain significance. Review status: criteria provided, multiple submitters, no conflicts (2 of 4 stars). 2 submissions from 2 submitters: Uncertain significance (2). Last evaluated 2024-11-30.

Conditions:
Dilated cardiomyopathy 1CC (CMD1CC). Identifiers: Orphanet 154, MedGen C2751084, MONDO:0013147, OMIM 613122.
Hypertrophic cardiomyopathy 20. Identifiers: MedGen C3151267, MONDO:0013477, OMIM 613876.
Cardiovascular phenotype. Identifiers: MedGen CN230736.

Allele frequency attached by ClinVar (database versions not stated): TOPMed below 0.00001.
gnomAD v4.1: 20 of 1,613,686 alleles (0.0012%); highest among the groups gnomAD compares: Non-Finnish European, 0.0017%; no homozygotes.

Submissions (2):

Ambry Genetics
Classification: Uncertain significance for Cardiovascular phenotype. Last evaluated: 2024-11-30. Review status: criteria provided, single submitter. Criteria: Ambry Variant Classification Scheme 2023. Collection method: clinical testing. Allele origin: germline.
Comment: The p.E651K variant (also known as c.1951G>A), located in coding exon 12 of the NEXN gene, results from a G to A substitution at nucleotide position 1951. The glutamic acid at codon 651 is replaced by lysine, an amino acid with similar properties. This amino acid position is conserved. In addition, this alteration is predicted to be deleterious by in silico analysis. Based on the available evidence, the clinical significance of this variant remains unclear.

Labcorp Genetics (formerly Invitae), Labcorp
Classification: Uncertain significance for Dilated cardiomyopathy 1CC; Hypertrophic cardiomyopathy 20. Last evaluated: 2022-08-23. Review status: criteria provided, single submitter. Criteria: Invitae Variant Classification Sherloc (09022015). Collection method: clinical testing. Allele origin: germline.
Comment: This variant is not present in population databases (gnomAD no frequency). This sequence change replaces glutamic acid, which is acidic and polar, with lysine, which is basic and polar, at codon 651 of the NEXN protein (p.Glu651Lys). This variant has not been reported in the literature in individuals affected with NEXN-related conditions. In summary, the available evidence is currently insufficient to determine the role of this variant in disease. Therefore, it has been classified as a Variant of Uncertain Significance. Algorithms developed to predict the effect of missense changes on protein structure and function are either unavailable or do not agree on the potential impact of this missense change (SIFT: "Deleterious"; PolyPhen-2: "Probably Damaging"; Align-GVGD: "Class C0"). ClinVar contains an entry for this variant (Variation ID: 1043630).